The following is an entry in ClinVar:

NM_001033046.4(CYBC1):c.464A>G (p.Lys155Arg)

Gene: CYBC1 (cytochrome b-245 chaperone 1; minus strand). Cytogenetic location: 17q25.3.
Variant type: single nucleotide variant.
Coding change: c.464A>G on transcript NM_001033046.4 (MANE Select); coding-DNA position 464, A replaced by G.
Protein change: p.Lys155Arg; replaces lysine 155 with arginine.
Molecular consequence: missense variant. On other transcripts: non-coding transcript variant (4).
Genome position (GRCh38, 1-based): chr17:82,444,104, T>C on the plus strand (A>G on the coding strand, the complement: CYBC1 is on the minus strand). VCF-style: chr17-82444104-T-C. GRCh37 (hg19) VCF-style: chr17-80401980-T-C.
Other names: c.464A>G, p.Lys155Arg (NM_001100407.3, NM_001193653.2, NM_001193654.2 and 2 more transcripts); c.422A>G, p.Lys141Arg (NM_001100408.3); short protein forms K141R, K155R.
Identifiers: ClinVar variation 1682692 (VCV001682692.5), dbSNP rs1017295961, ClinGen allele CA295212628.

ClinVar aggregate classification (germline): Uncertain significance (1 of 4 stars; one submission).

Allele frequency attached by ClinVar (database versions not stated): gnomAD exomes below 0.00001; gnomAD 0.00014 and 0.00015; TOPMed 0.00023.
gnomAD v4.1: 32 of 1,612,110 alleles (0.002%); highest among the groups gnomAD compares: Admixed American, 0.038%; no homozygotes.

Submission:

Labcorp Genetics (formerly Invitae), Labcorp
Classification: Uncertain significance. Last evaluated: 2022-04-21. Review status: criteria provided, single submitter. Criteria: Invitae Variant Classification Sherloc (09022015). Collection method: clinical testing. Allele origin: germline.
Comment: This sequence change replaces lysine, which is basic and polar, with arginine, which is basic and polar, at codon 155 of the C17orf62 protein (p.Lys155Arg). This variant is not present in population databases (gnomAD no frequency). This variant has not been reported in the literature in individuals affected with C17orf62-related conditions. Algorithms developed to predict the effect of missense changes on protein structure and function (SIFT, PolyPhen-2, Align-GVGD) all suggest that this variant is likely to be tolerated. Algorithms developed to predict the effect of sequence changes on RNA splicing suggest that this variant may create or strengthen a splice site. In summary, the available evidence is currently insufficient to determine the role of this variant in disease. Therefore, it has been classified as a Variant of Uncertain Significance.